The following is an entry in ClinVar:

NM_004999.4(MYO6):c.592_593del (p.Val198fs)

Gene: MYO6 (myosin VI; plus strand). Cytogenetic location: 6q14.1.
Variant type: Deletion.
Coding change: c.592_593del on transcript NM_004999.4 (MANE Select); coding-DNA positions 592 to 593, 2 bases deleted (GT; older notation c.592_593delGT).
Protein change: p.Val198fs; shifts the reading frame from valine 198.
Molecular consequence: frameshift variant. On other transcripts: non-coding transcript variant (2).
Genome position (GRCh38, 1-based): chr6:75,840,623-75,840,624, GT deleted; deleting any 2 consecutive bases within chr6:75,840,622-75,840,624 gives the same sequence; the c. name uses the placement nearest the transcript's 3' end. VCF-style (leftmost placement, unchanged base first): chr6-75840621-CTG-C. GRCh37 (hg19) VCF-style: chr6-76550338-CTG-C.
Other names: c.592_593del, p.Val198fs (NM_001300899.2, NM_001368136.1, NM_001368137.1 and 4 more transcripts); c.577_578del, p.Val193fs (NM_001368138.1); short protein forms V193fs, V198fs.
Identifiers: ClinVar variation 4071579 (VCV004071579.1).

ClinVar aggregate classification (germline): Likely pathogenic (1 of 4 stars; one submission).

Submission:

GeneDx
Classification: Likely pathogenic. Last evaluated: 2025-01-22. Review status: criteria provided, single submitter. Criteria: GeneDx Variant Classification Process June 2021. Collection method: clinical testing. Allele origin: germline. Affected: yes.
Comment: Frameshift variant predicted to result in protein truncation or nonsense mediated decay in a gene for which loss of function is a known mechanism of disease; Not observed at significant frequency in large population cohorts (gnomAD); Has not been previously published as pathogenic or benign to our knowledge